The following is an entry in ClinVar:

ClinVar aggregate classification (germline): Uncertain significance (1 of 4 stars; one submission).

Conditions:
Gorlin syndrome. Also called: Basal cell nevus syndrome; Nevoid Basal Cell Carcinoma Syndrome. Identifiers: Orphanet 377, MedGen C0004779, MONDO:0007187.
Medulloblastoma (MDB). Also called: Medulloblastoma, somatic; MEDULLOBLASTOMA PREDISPOSITION SYNDROME. Identifiers: Orphanet 616, MedGen C0025149, MeSH D008527, MONDO:0007959, OMIM 155255, HP:0002885.

Submission:

Labcorp Genetics (formerly Invitae), Labcorp
Classification: Uncertain significance for Gorlin syndrome; Medulloblastoma. Last evaluated: 2022-08-21. Review status: criteria provided, single submitter. Criteria: Invitae Variant Classification Sherloc (09022015). Collection method: clinical testing. Allele origin: unknown.
Comment: In summary, the available evidence is currently insufficient to determine the role of this variant in disease. Therefore, it has been classified as a Variant of Uncertain Significance. Experimental studies and prediction algorithms are not available or were not evaluated, and the functional significance of this variant is currently unknown. This variant has not been reported in the literature in individuals affected with SUFU-related conditions. This variant is a gross deletion of the genomic region encompassing exon(s) 2 of the SUFU gene. This variant would be expected to be in-frame, preserving the integrity of the reading frame.

NC_000010.10:g.(?_104268906)_(104269080_?)del

Gene: SUFU (SUFU negative regulator of hedgehog signaling; plus strand). Cytogenetic location: 10q24.32.
Variant type: Deletion.
Identifiers: ClinVar variation 3244799 (VCV003244799.1).